The following is an entry in ClinVar:

ClinVar aggregate classification (germline): Uncertain significance. Review status: criteria provided, multiple submitters, no conflicts (2 of 4 stars). 2 submissions from 2 submitters: Uncertain significance (2). Last evaluated 2026-01-23.

Conditions:
Aicardi-Goutieres syndrome 7 (AGS7). Identifiers: Orphanet 51, MedGen C3888244, MONDO:0014367, OMIM 615846.
Singleton-Merten syndrome 1 (SGMRT1). Also called: Widened medullary cavities of bone, aortic calcification, abnormal dentition, and muscular weakness; Syndrome of widened medullary cavities of the metacarpals and phalanges, aortic calcification and abnormal dentition. Identifiers: Orphanet 85191, MedGen C4225427, MONDO:0024535, OMIM 182250.

Allele frequency attached by ClinVar (database versions not stated): gnomAD exomes below 0.00001 and 0.00001; ExAC 0.00001; gnomAD 0.00001; TOPMed 0.00001.
gnomAD v4.1: 8 of 1,608,904 alleles (0.0005%); highest among the groups gnomAD compares: Non-Finnish European, 0.00059%; no homozygotes.

Submissions (2):

Women's Health and Genetics/Laboratory Corporation of America, LabCorp
Classification: Uncertain significance. Last evaluated: 2026-01-23. Review status: criteria provided, single submitter. Criteria: LabCorp Variant Classification Summary - May 2015. Collection method: clinical testing. Allele origin: germline.

Labcorp Genetics (formerly Invitae), Labcorp
Classification: Uncertain significance for Aicardi-Goutieres syndrome 7; Singleton-Merten syndrome 1. Last evaluated: 2025-10-20. Review status: criteria provided, single submitter. Criteria: Invitae Variant Classification Sherloc (09022015). Collection method: clinical testing. Allele origin: germline.
Comment: This sequence change replaces aspartic acid, which is acidic and polar, with asparagine, which is neutral and polar, at codon 673 of the IFIH1 protein (p.Asp673Asn). This variant is present in population databases (rs746781048, gnomAD 0.002%). This variant has not been reported in the literature in individuals affected with IFIH1-related conditions. This missense change has been observed in at least one individual who was not affected with IFIH1-related conditions (internal data). ClinVar contains an entry for this variant (Variation ID: 1017000). Invitae Evidence Modeling of protein sequence and biophysical properties (such as structural, functional, and spatial information, amino acid conservation, physicochemical variation, residue mobility, and thermodynamic stability) has been performed for this missense variant. However, the output from this modeling did not meet the statistical confidence thresholds required to predict the impact of this variant on IFIH1 protein function. In summary, the available evidence is currently insufficient to determine the role of this variant in disease. Therefore, it has been classified as a Variant of Uncertain Significance.

NM_022168.4(IFIH1):c.2017G>A (p.Asp673Asn)

Gene: IFIH1 (interferon induced with helicase C domain 1; minus strand). Cytogenetic location: 2q24.2.
Variant type: single nucleotide variant.
Coding change: c.2017G>A on transcript NM_022168.4 (MANE Select); coding-DNA position 2017, G replaced by A.
Protein change: p.Asp673Asn; replaces aspartic acid 673 with asparagine.
Molecular consequence: missense variant.
Genome position (GRCh38, 1-based): chr2:162,277,442, C>T on the plus strand (G>A on the coding strand, the complement: IFIH1 is on the minus strand). VCF-style: chr2-162277442-C-T. GRCh37 (hg19) VCF-style: chr2-163133952-C-T.
Other names: short protein forms D673N.
Identifiers: ClinVar variation 1017000 (VCV001017000.6), dbSNP rs746781048, ClinGen allele CA1934331.